The following is an entry in ClinVar:

ClinVar aggregate classification (germline): Conflicting classifications of pathogenicity. Review status: criteria provided, conflicting classifications (1 of 4 stars). 2 submissions from 2 submitters: Uncertain significance (1); Likely benign (1). Last evaluated 2022-06-04.

Submissions (2):

Labcorp Genetics (formerly Invitae), Labcorp
Classification: Uncertain significance. Last evaluated: 2022-06-04. Review status: criteria provided, single submitter. Criteria: Invitae Variant Classification Sherloc (09022015). Collection method: clinical testing. Allele origin: germline.
Comment: In summary, the available evidence is currently insufficient to determine the role of this variant in disease. Therefore, it has been classified as a Variant of Uncertain Significance. Experimental studies and prediction algorithms are not available or were not evaluated, and the functional significance of this variant is currently unknown. ClinVar contains an entry for this variant (Variation ID: 515497). This variant has not been reported in the literature in individuals affected with CNGB1-related conditions. The frequency data for this variant in the population databases is considered unreliable, as metrics indicate poor data quality at this position in the gnomAD database. This variant, c.1101_1103del, results in the deletion of 1 amino acid(s) of the CNGB1 protein (p.Glu371del), but otherwise preserves the integrity of the reading frame.

GeneDx
Classification: Likely benign. Last evaluated: 2018-02-07. Review status: criteria provided, single submitter. Criteria: GeneDx Variant Classification (06012015). Collection method: clinical testing. Allele origin: germline. Affected: yes.
Comment: This variant is considered likely benign or benign based on one or more of the following criteria: it is a conservative change, it occurs at a poorly conserved position in the protein, it is predicted to be benign by multiple in silico algorithms, and/or has population frequency not consistent with disease.

NM_001297.5(CNGB1):c.1089GGA[4] (p.Glu371del)

Gene: CNGB1 (cyclic nucleotide gated channel subunit beta 1; minus strand). Cytogenetic location: 16q21.
Variant type: Microsatellite.
Coding change: c.1089GGA[4] on transcript NM_001297.5 (MANE Select); four copies in a row of the 3-base unit GGA starting at c.1089; the reference has five copies in a row; one copy, 3 bases deleted.
Protein change: p.Glu371del; deletes glutamic acid 371.
Molecular consequence: inframe deletion.
Genome position (GRCh38, 1-based): chr16:57,949,371-57,949,373, TCC deleted on the plus strand (GGA on the coding strand, the reverse complement: CNGB1 is on the minus strand); deleting any 3 consecutive bases within chr16:57,949,371-57,949,387 gives the same sequence; the position shown is the placement nearest the transcript's 3' end. VCF-style (leftmost placement, unchanged base first): chr16-57949370-TTCC-T. GRCh37 (hg19) VCF-style: chr16-57983274-TTCC-T.
Other names: c.1071GGA[4], p.Glu365del (NM_001286130.2); short protein forms E371del, E365del.
Identifiers: ClinVar variation 515497 (VCV000515497.5), dbSNP rs141566950, ClinGen allele CA8083561.